The following is an entry in ClinVar:

ClinVar aggregate classification (germline): Uncertain significance (1 of 4 stars; one submission).

gnomAD v4.1: 1 of 1,579,320 alleles (0.000063%); no homozygotes.

Submission:

Women's Health and Genetics/Laboratory Corporation of America, LabCorp
Classification: Uncertain significance. Last evaluated: 2025-02-24. Review status: criteria provided, single submitter. Criteria: LabCorp Variant Classification Summary - May 2015. Collection method: clinical testing. Allele origin: germline.
Comment: Variant summary: PDX1 c.295C>T (p.Pro99Ser) results in a non-conservative amino acid change in the encoded protein sequence. Three of five in-silico tools predict a damaging effect of the variant on protein function. The variant allele was found at a frequency of 5.3e-06 in 188144 control chromosomes. The available data on variant occurrences in the general population are insufficient to allow any conclusion about variant significance. To our knowledge, no occurrence of c.295C>T in individuals affected with Familial Monogenic Diabetes (Maturity Onset Diabetes Of The Young 4)/Neonatal Diabetes Mellitus and no experimental evidence demonstrating its impact on protein function have been reported. No submitters have cited clinical-significance assessments for this variant to ClinVar. Based on the evidence outlined above, the variant was classified as uncertain significance.

NM_000209.4(PDX1):c.295C>T (p.Pro99Ser)

Gene: PDX1 (pancreatic and duodenal homeobox 1; plus strand). Cytogenetic location: 13q12.2.
Variant type: single nucleotide variant.
Coding change: c.295C>T on transcript NM_000209.4 (MANE Select); coding-DNA position 295, C replaced by T.
Protein change: p.Pro99Ser; replaces proline 99 with serine.
Molecular consequence: missense variant.
Genome position (GRCh38, 1-based): chr13:27,920,433, C>T. VCF-style: chr13-27920433-C-T. GRCh37 (hg19) VCF-style: chr13-28494570-C-T.
Other names: short protein forms P99S.
Identifiers: ClinVar variation 3768863 (VCV003768863.1).